The following is an entry in ClinVar:

ClinVar aggregate classification (germline): Uncertain significance (1 of 4 stars; one submission).

Conditions:
Primary ciliary dyskinesia. Also called: Ciliary dyskinesia. Identifiers: Orphanet 244, MedGen C0008780, MONDO:0016575, HP:0012265.

Submission:

Ambry Genetics
Classification: Uncertain significance for Primary ciliary dyskinesia. Last evaluated: 2019-11-13. Review status: criteria provided, single submitter. Criteria: Ambry Variant Classification Scheme 2023. Collection method: clinical testing. Allele origin: germline.
Comment: The p.A1895S variant (also known as c.5683G>T), located in coding exon 33 of the DNAH11 gene, results from a G to T substitution at nucleotide position 5683. The alanine at codon 1895 is replaced by serine, an amino acid with similar properties. This amino acid position is highly conserved in available vertebrate species. In addition, this alteration is predicted to be tolerated by in silico analysis. Since supporting evidence is limited at this time, the clinical significance of this alteration remains unclear.

NM_001277115.2(DNAH11):c.5683G>T (p.Ala1895Ser)

Gene: DNAH11 (dynein axonemal heavy chain 11; plus strand). Cytogenetic location: 7p15.3.
Variant type: single nucleotide variant.
Coding change: c.5683G>T on transcript NM_001277115.2 (MANE Select); coding-DNA position 5683, G replaced by T.
Protein change: p.Ala1895Ser; replaces alanine 1895 with serine.
Molecular consequence: missense variant.
Genome position (GRCh38, 1-based): chr7:21,687,160, G>T. VCF-style: chr7-21687160-G-T. GRCh37 (hg19) VCF-style: chr7-21726778-G-T.
Other names: c.5704G>T, p.Ala1902Ser (NM_003777.3); short protein forms A1902S, A1895S.
Identifiers: ClinVar variation 1749043 (VCV001749043.2), dbSNP rs759008375, ClinGen allele CA366949300.